The following is an entry in ClinVar:

ClinVar aggregate classification (germline): Uncertain significance (1 of 4 stars; one submission).

Submission:

Ambry Genetics
Classification: Uncertain significance. Last evaluated: 2022-03-04. Review status: criteria provided, single submitter. Criteria: Ambry Variant Classification Scheme 2023. Collection method: clinical testing. Allele origin: germline.
Comment: The p.Q724L variant (also known as c.2171A>T), located in coding exon 11 of the PALLD gene, results from an A to T substitution at nucleotide position 2171. The glutamine at codon 724 is replaced by leucine, an amino acid with dissimilar properties. This amino acid position is conserved. In addition, this alteration is predicted to be tolerated by in silico analysis. Since supporting evidence is limited at this time, the clinical significance of this alteration remains unclear.

NM_001166108.2(PALLD):c.2171A>T (p.Gln724Leu)

Genes: CBR4 (carbonyl reductase 4; minus strand), PALLD (palladin, cytoskeletal associated protein; plus strand). Cytogenetic location: 4q32.3.
Variant type: single nucleotide variant.
Coding change: c.2171A>T on transcript NM_001166108.2 (MANE Select); coding-DNA position 2171, A replaced by T.
Protein change: p.Gln724Leu; replaces glutamine 724 with leucine.
Molecular consequence: missense variant.
Genome position (GRCh38, 1-based): chr4:168,894,649, A>T. VCF-style: chr4-168894649-A-T. GRCh37 (hg19) VCF-style: chr4-169815800-A-T.
Other names: c.1025A>T, p.Gln342Leu (NM_001166109.2); c.710A>T, p.Gln237Leu (NM_001166110.2); c.50A>T, p.Gln17Leu (NM_001367567.1, NM_001367568.1, NM_001367569.1 and 1 more transcripts); c.2171A>T, p.Gln724Leu (NM_016081.4); short protein forms Q342L, Q17L, Q237L, Q724L.
Identifiers: ClinVar variation 1787104 (VCV001787104.2), dbSNP rs2533638980, ClinGen allele CA358797770.